The following is an entry in ClinVar:

ClinVar aggregate classification (germline): Uncertain significance (1 of 4 stars; one submission).

Conditions:
Peroxisome biogenesis disorder 2B (PBD2B). Identifiers: Orphanet 44, MedGen C3550234, MONDO:0008736, OMIM 202370.

Allele frequency attached by ClinVar (database versions not stated): gnomAD exomes below 0.00001.
gnomAD v4.1: 1 of 1,613,260 alleles (0.000062%); highest among the groups gnomAD compares: Non-Finnish European, 0.000085%; no homozygotes.

Submission:

Labcorp Genetics (formerly Invitae), Labcorp
Classification: Uncertain significance for Peroxisome biogenesis disorder 2B. Last evaluated: 2022-07-23. Review status: criteria provided, single submitter. Criteria: Invitae Variant Classification Sherloc (09022015). Collection method: clinical testing. Allele origin: germline.
Comment: This sequence change replaces alanine, which is neutral and non-polar, with valine, which is neutral and non-polar, at codon 57 of the PEX5 protein (p.Ala57Val). This variant is not present in population databases (gnomAD no frequency). This variant has not been reported in the literature in individuals affected with PEX5-related conditions. Algorithms developed to predict the effect of missense changes on protein structure and function are either unavailable or do not agree on the potential impact of this missense change (SIFT: "Deleterious"; PolyPhen-2: "Benign"; Align-GVGD: "Class C0"). In summary, the available evidence is currently insufficient to determine the role of this variant in disease. Therefore, it has been classified as a Variant of Uncertain Significance.

NM_001351132.2(PEX5):c.170C>T (p.Ala57Val)

Gene: PEX5 (peroxisomal biogenesis factor 5; plus strand). Cytogenetic location: 12p13.31.
Variant type: single nucleotide variant.
Coding change: c.170C>T on transcript NM_001351132.2 (MANE Select); coding-DNA position 170, C replaced by T.
Protein change: p.Ala57Val; replaces alanine 57 with valine.
Molecular consequence: missense variant.
Genome position (GRCh38, 1-based): chr12:7,190,910, C>T. VCF-style: chr12-7190910-C-T. GRCh37 (hg19) VCF-style: chr12-7343506-C-T.
Other names: c.170C>T, p.Ala57Val (NM_000319.5, NM_001131024.2, NM_001131025.2 and 19 more transcripts); c.215C>T, p.Ala72Val (NM_001131023.2, NM_001351135.3, NM_001351138.2); short protein forms A57V, A72V.
Identifiers: ClinVar variation 1713621 (VCV001713621.3), dbSNP rs2539816071, ClinGen allele CA383710118.